The following is an entry in ClinVar:

ClinVar aggregate classification (germline): Uncertain significance (1 of 4 stars; one submission).

Conditions:
Primary ciliary dyskinesia 30. Also called: CILIARY DYSKINESIA, PRIMARY, 30, WITH OR WITHOUT SITUS INVERSUS. Identifiers: Orphanet 244, MedGen C4015016, MONDO:0014465, OMIM 616037.

Allele frequency attached by ClinVar (database versions not stated): gnomAD exomes below 0.00001; TOPMed below 0.00001; gnomAD 0.00001.
gnomAD v4.1: 2 of 1,613,946 alleles (0.00012%); highest among the groups gnomAD compares: Non-Finnish European, 0.00017%; no homozygotes.

Submission:

Labcorp Genetics (formerly Invitae), Labcorp
Classification: Uncertain significance for Primary ciliary dyskinesia 30. Last evaluated: 2022-06-03. Review status: criteria provided, single submitter. Criteria: Invitae Variant Classification Sherloc (09022015). Collection method: clinical testing. Allele origin: germline.
Comment: This sequence change replaces glycine, which is neutral and non-polar, with cysteine, which is neutral and slightly polar, at codon 29 of the CCDC151 protein (p.Gly29Cys). This variant is not present in population databases (gnomAD no frequency). This variant has not been reported in the literature in individuals affected with CCDC151-related conditions. Algorithms developed to predict the effect of missense changes on protein structure and function are either unavailable or do not agree on the potential impact of this missense change (SIFT: "Deleterious"; PolyPhen-2: "Possibly Damaging"; Align-GVGD: "Class C0"). In summary, the available evidence is currently insufficient to determine the role of this variant in disease. Therefore, it has been classified as a Variant of Uncertain Significance.

NM_145045.5(ODAD3):c.85G>T (p.Gly29Cys)

Gene: ODAD3 (outer dynein arm docking complex subunit 3; minus strand). Cytogenetic location: 19p13.2.
Variant type: single nucleotide variant.
Coding change: c.85G>T on transcript NM_145045.5 (MANE Select); coding-DNA position 85, G replaced by T.
Protein change: p.Gly29Cys; replaces glycine 29 with cysteine.
Molecular consequence: missense variant. On other transcripts: intron variant (1).
Genome position (GRCh38, 1-based): chr19:11,434,932, C>A on the plus strand (G>T on the coding strand, the complement: ODAD3 is on the minus strand). VCF-style: chr19-11434932-C-A. GRCh37 (hg19) VCF-style: chr19-11545753-C-A.
Other names: c.85G>T, p.Gly29Cys (NM_001302454.2); c.82+758G>T (NM_001302453.1); short protein forms G29C.
Identifiers: ClinVar variation 1917066 (VCV001917066.5), dbSNP rs1419466799, ClinGen allele CA404128572.